The following is an entry in ClinVar:

ClinVar aggregate classification (germline): Conflicting classifications of pathogenicity. Review status: criteria provided, conflicting classifications (1 of 4 stars). 3 submissions from 3 submitters: Uncertain significance (1); Likely benign (2). Last evaluated 2025-03-27.

Conditions:
Primary ciliary dyskinesia. Also called: Ciliary dyskinesia. Identifiers: Orphanet 244, MedGen C0008780, MONDO:0016575, HP:0012265.

Allele frequency attached by ClinVar (database versions not stated): gnomAD exomes 0.00005; ExAC 0.00006; gnomAD 0.00006 and 0.00007; ESP Exome Variant Server 0.00008; TOPMed 0.00009.
gnomAD v4.1: 123 of 1,593,872 alleles (0.0077%); highest among the groups gnomAD compares: Non-Finnish European, 0.0089%; no homozygotes.

Submissions (3):

Labcorp Genetics (formerly Invitae), Labcorp
Classification: Likely benign for Primary ciliary dyskinesia. Last evaluated: 2025-03-27. Review status: criteria provided, single submitter. Criteria: Invitae Variant Classification Sherloc (09022015). Collection method: clinical testing. Allele origin: germline.

Ambry Genetics
Classification: Likely benign for Primary ciliary dyskinesia. Last evaluated: 2019-12-21. Review status: criteria provided, single submitter. Criteria: Ambry Variant Classification Scheme 2023. Collection method: clinical testing. Allele origin: germline.

GeneDx
Classification: Uncertain significance. Last evaluated: 2019-09-23. Review status: criteria provided, single submitter. Criteria: GeneDx Variant Classification Process June 2021. Collection method: clinical testing. Allele origin: germline. Affected: yes.
Comment: Has not been previously published as pathogenic or benign to our knowledge; In-silico analysis, which includes splice predictors and evolutionary conservation, is inconclusive as to whether the variant alters gene splicing. In the absence of RNA/functional studies, the actual effect of this sequence change is unknown.

NM_001277115.2(DNAH11):c.10176C>T (p.Arg3392=)

Gene: DNAH11 (dynein axonemal heavy chain 11; plus strand). Cytogenetic location: 7p15.3.
Variant type: single nucleotide variant.
Coding change: c.10176C>T on transcript NM_001277115.2 (MANE Select); coding-DNA position 10176, C replaced by T.
Protein change: p.Arg3392=; no amino-acid change (arginine 3392 retained).
Molecular consequence: synonymous variant.
Genome position (GRCh38, 1-based): chr7:21,807,893, C>T. VCF-style: chr7-21807893-C-T. GRCh37 (hg19) VCF-style: chr7-21847511-C-T.
Identifiers: ClinVar variation 668645 (VCV000668645.12), dbSNP rs370857029, ClinGen allele CA4182278.
Genomic context (GRCh38, chr7:21,807,893, plus strand): 5'-GTTGACATTCAGCCTGCAATTACAGCTGAGTAATTTCATCTTTCAGTCAGAGAAGATTCG[C>T]TGGGGTCAATCCATTAAGTCCTTTGAAGCTCAAGAGAAGACACTCTGTGGAGATGTTCTT-3'
Protein context (NP_001264044.1, residues 3382-3402): LVKELEAKKI[Arg3392=]WGQSIKSFEA